The following is an entry in ClinVar:

ClinVar aggregate classification (germline): Uncertain significance (1 of 4 stars; one submission).

Conditions:
Cardiomyopathy, dilated, 100. Also called: Cardiomyopathy, dilated, 1OO. Identifiers: MedGen C5830291, MONDO:0859381, OMIM 620247.

Submission:

Juno Genomics, Hangzhou Juno Genomics, Inc
Classification: Uncertain significance for Cardiomyopathy, dilated, 100. Review status: criteria provided, single submitter. Criteria: ACMG Guidelines, 2015. Collection method: clinical testing. Allele origin: germline.
Comment: Absent from controls (or at extremely low frequency if recessive) in Genome Aggregation Database.;Missense variant in a gene that has a low rate of benign missense variation.

NM_007146.3(VEZF1):c.1160C>A (p.Thr387Asn)

Gene: VEZF1 (vascular endothelial zinc finger 1; minus strand). Cytogenetic location: 17q22.
Variant type: single nucleotide variant.
Coding change: c.1160C>A on transcript NM_007146.3 (MANE Select); coding-DNA position 1160, C replaced by A.
Protein change: p.Thr387Asn; replaces threonine 387 with asparagine.
Molecular consequence: missense variant.
Genome position (GRCh38, 1-based): chr17:57,974,879, G>T on the plus strand (C>A on the coding strand, the complement: VEZF1 is on the minus strand). VCF-style: chr17-57974879-G-T. GRCh37 (hg19) VCF-style: chr17-56052240-G-T.
Other names: c.1133C>A, p.Thr378Asn (NM_001330393.2); short protein forms T387N, T378N.
Identifiers: ClinVar variation 5005779 (VCV005005779.2).